The following is an entry in ClinVar:

ClinVar aggregate classification (germline): Pathogenic. Review status: criteria provided, multiple submitters, no conflicts (2 of 4 stars). 2 submissions from 2 submitters: Pathogenic (2). Last evaluated 2024-06-07.

Conditions:
Mucopolysaccharidosis, MPS-II (MPS2). Also called: Mucopolysaccharidosis with skin involvement; Hunter Syndrome; IDURONATE 2-SULFATASE DEFICIENCY; Mucopolysaccharidosis Type II; IDS deficiency; Sulfoiduronate sulfatase deficiency. Identifiers: Orphanet 580, Orphanet 79388, MedGen C0026705, MONDO:0010674, OMIM 309900.

Submissions (2):

Laboratory of Diagnosis and Therapy of Lysosomal Disorders, University of Padova
Classification: Pathogenic for Mucopolysaccharidosis, MPS-II. Last evaluated: 2024-06-07. Review status: criteria provided, single submitter. Criteria: ACMG Guidelines, 2015. Collection method: literature only. Allele origin: germline. Affected: yes. Observed: 1 variant allele.
Comment: Null variant (PVS1_VeryStrong), Absent from controls (or at low frequency) in gnomAD database (PM2_Moderate), Patient’s phenotype or family history highly specific for the disease (PP4_Strong)

Classification method: ACMG Guidelines [PMID:25741868] with modifications

Labcorp Genetics (formerly Invitae), Labcorp
Classification: Pathogenic for Mucopolysaccharidosis, MPS-II. Last evaluated: 2022-05-08. Review status: criteria provided, single submitter. Criteria: Invitae Variant Classification Sherloc (09022015). Collection method: clinical testing. Allele origin: germline.
Comment: For these reasons, this variant has been classified as Pathogenic. Algorithms developed to predict the effect of sequence changes on RNA splicing suggest that this variant may disrupt the consensus splice site. Disruption of this splice site has been observed in individuals with MPS II (PMID: 26762690, 33075783). This sequence change affects a donor splice site in intron 7 of the IDS gene. It is expected to disrupt RNA splicing. Variants that disrupt the donor or acceptor splice site typically lead to a loss of protein function (PMID: 16199547), and loss-of-function variants in IDS are known to be pathogenic (PMID: 8940265, 9875019). This variant is not present in population databases (gnomAD no frequency).

Literature cited by the submitters: PubMed 33075783 (cited by Laboratory of Diagnosis and Therapy of Lysosomal Disorders, University of Padova and Labcorp Genetics (formerly Invitae), Labcorp); PubMed 26762690 (cited by Labcorp Genetics (formerly Invitae), Labcorp); PubMed 16199547 (cited by Labcorp Genetics (formerly Invitae), Labcorp); PubMed 8940265 (cited by Labcorp Genetics (formerly Invitae), Labcorp); PubMed 9875019 (cited by Labcorp Genetics (formerly Invitae), Labcorp).

NM_000202.8(IDS):c.1006+1G>C

Genes: IDS (iduronate 2-sulfatase; minus strand), LOC106050102 (IDS recombination region; plus strand). Cytogenetic location: Xq28.
Variant type: single nucleotide variant.
Coding change: c.1006+1G>C on transcript NM_000202.8 (MANE Select); the canonical splice donor site of the intron after coding-DNA position 1006, G replaced by C.
Molecular consequence: splice donor variant.
Genome position (GRCh38, 1-based): chrX:149,490,313, C>G on the plus strand (G>C on the coding strand, the complement: IDS is on the minus strand). VCF-style: chrX-149490313-C-G. GRCh37 (hg19) VCF-style: chrX-148571844-C-G.
Other names: c.736+1G>C (NM_001166550.4); c.1006+1G>C (NM_006123.5).
Identifiers: ClinVar variation 2099265 (VCV002099265.6), dbSNP rs869025308, ClinGen allele CA414519799.
Genomic context (GRCh38, chrX:149,490,313, plus strand): 5'-AAGCATGTTTCACAGGAAAGTTCAGATGTTTTGACTCACCAGGGAATTTCAAAATGCTTA[C>G]CATGATCCGAGGTAAATGCAATGATGGTGCTGTTGGCCAGCTGAAGATCGTCCAAAGCAC-3'